The following is an entry in ClinVar:

NM_003482.4(KMT2D):c.6172del (p.Ala2058fs)

Gene: KMT2D (lysine methyltransferase 2D; minus strand). Cytogenetic location: 12q13.12.
Variant type: Deletion.
Coding change: c.6172del on transcript NM_003482.4 (MANE Select); coding-DNA position 6172, one base deleted (G; older notation c.6172delG).
Protein change: p.Ala2058fs; shifts the reading frame from alanine 2058.
Molecular consequence: frameshift variant.
Genome position (GRCh38, 1-based): chr12:49,041,928, C deleted on the plus strand (G on the coding strand, the reverse complement: KMT2D is on the minus strand). VCF-style (leftmost placement, unchanged base first): chr12-49041927-GC-G. GRCh37 (hg19) VCF-style: chr12-49435710-GC-G.
Other names: c.6172delG (NM_003482.3).
Identifiers: ClinVar variation 211331 (VCV000211331.7), dbSNP rs797045669, ClinGen allele CA277116.

ClinVar aggregate classification (germline): Pathogenic. Review status: criteria provided, multiple submitters, no conflicts (2 of 4 stars). 2 submissions from 2 submitters: Pathogenic (2). Last evaluated 2018-01-11.

Conditions:
Kabuki syndrome 1 (KABUK1). Also called: KMT2D-Related Kabuki Syndrome. Identifiers: Orphanet 2322, MedGen CN030661, MONDO:0007843, OMIM 147920.

Submissions (2):

GeneDx
Classification: Pathogenic. Last evaluated: 2018-01-11. Review status: criteria provided, single submitter. Criteria: GeneDx Variant Classification (06012015). Collection method: clinical testing. Allele origin: germline. Affected: yes.
Comment: The c.6172delG variant in the KMT2D gene has not been reported previously as a pathogenic variant nor as a benign variant, to our knowledge. This variant causes a frameshift starting with codon Alanine 2058, changes this amino acid to a Proline residue, and creates a premature Stop codon at position 36 of the new reading frame, denoted p.Ala2058ProfsX36. This variant is predicted to cause loss of normal protein function either through protein truncation or nonsense-mediated mRNA decay. The c.6172delG variant is not observed in large population cohorts (Lek et al., 2016). We interpret c.6172delG as a pathogenic variant.

Genetic Services Laboratory, University of Chicago
Classification: Pathogenic for Kabuki syndrome 1. Last evaluated: 2014-10-22. Review status: criteria provided, single submitter. Criteria: ACMG Guidelines, 2015. Collection method: clinical testing. Allele origin: germline. Affected: yes.